The following is an entry in ClinVar:

ClinVar aggregate classification (germline): Benign. Review status: criteria provided, multiple submitters, no conflicts (2 of 4 stars). 2 submissions from 2 submitters: Benign (2). Last evaluated 2018-01-13.

Conditions:
Posterior column ataxia-retinitis pigmentosa syndrome (RETSNS). Also called: RETINOPATHY-SENSORY NEUROPATHY SYNDROME. Identifiers: Orphanet 88628, MedGen C1836916, MONDO:0012177, OMIM 609033.

Allele frequency attached by ClinVar (database versions not stated): TOPMed 0.36280; 1000 Genomes Project 30x 0.36883; gnomAD 0.39386 and 0.38742; 1000 Genomes Project 0.37919.

Submissions (2):

Illumina Laboratory Services, Illumina
Classification: Benign for Posterior column ataxia-retinitis pigmentosa syndrome. Last evaluated: 2018-01-13. Review status: criteria provided, single submitter. Criteria: ICSL Variant Classification Criteria 13 December 2019. Collection method: clinical testing. Allele origin: germline.
Comment: This variant was observed in the ICSL laboratory as part of a predisposition screen in an ostensibly healthy population. It had not been previously curated by ICSL or reported in the Human Gene Mutation Database (HGMD: prior to June 1st, 2018), and was therefore a candidate for classification through an automated scoring system. Utilizing variant allele frequency, disease prevalence and penetrance estimates, and inheritance mode, an automated score was calculated to assess if this variant is too frequent to cause the disease. Based on the score and internal cut-off values, a variant classified as benign is not then subjected to further curation. The score for this variant resulted in a classification of benign for this disease.

Breakthrough Genomics
Classification: Benign. Review status: criteria provided, single submitter. Criteria: ACMG Guidelines, 2015. Collection method: not provided. Allele origin: germline. Inheritance: Autosomal recessive inheritance. Affected: yes.

NM_014053.4(FLVCR1):c.*1793C>T

Gene: FLVCR1 (FLVCR choline and heme transporter 1; plus strand). Cytogenetic location: 1q32.3.
Variant type: single nucleotide variant.
Coding change: c.*1793C>T on transcript NM_014053.4 (MANE Select); 1793 bases downstream of the stop codon, C replaced by T.
Molecular consequence: 3 prime UTR variant.
Genome position (GRCh38, 1-based): chr1:212,897,083, C>T. VCF-style: chr1-212897083-C-T. GRCh37 (hg19) VCF-style: chr1-213070425-C-T.
Identifiers: ClinVar variation 295364 (VCV000295364.6), dbSNP rs12567975, ClinGen allele CA10609777.